The following is an entry in ClinVar:

NM_000426.4(LAMA2):c.1937C>G (p.Ser646Cys)

Gene: LAMA2 (laminin subunit alpha 2; plus strand). Cytogenetic location: 6q22.33.
Variant type: single nucleotide variant.
Coding change: c.1937C>G on transcript NM_000426.4 (MANE Select); coding-DNA position 1937, C replaced by G.
Protein change: p.Ser646Cys; replaces serine 646 with cysteine.
Molecular consequence: missense variant.
Genome position (GRCh38, 1-based): chr6:129,252,136, C>G. VCF-style: chr6-129252136-C-G. GRCh37 (hg19) VCF-style: chr6-129573281-C-G.
Other names: c.1937C>G, p.Ser646Cys (NM_001079823.2); short protein forms S646C.
Identifiers: ClinVar variation 1002938 (VCV001002938.6), dbSNP rs780193210, ClinGen allele CA3992796.

ClinVar aggregate classification (germline): Uncertain significance (1 of 4 stars; one submission).

Conditions:
LAMA2-related muscular dystrophy (LAMA2-RD). Also called: Laminin alpha 2-related dystrophy. Identifiers: MedGen C5679788, MONDO:0100228.

Allele frequency attached by ClinVar (database versions not stated): TOPMed below 0.00001; ExAC 0.00001; gnomAD exomes 0.00002.
gnomAD v4.1: 4 of 1,613,612 alleles (0.00025%); highest among the groups gnomAD compares: Admixed American, 0.0067%; no homozygotes.

Submission:

Labcorp Genetics (formerly Invitae), Labcorp
Classification: Uncertain significance for LAMA2-related muscular dystrophy. Last evaluated: 2021-08-20. Review status: criteria provided, single submitter. Criteria: Invitae Variant Classification Sherloc (09022015). Collection method: clinical testing. Allele origin: germline.
Comment: This sequence change replaces serine with cysteine at codon 646 of the LAMA2 protein (p.Ser646Cys). The serine residue is weakly conserved and there is a moderate physicochemical difference between serine and cysteine. This variant is present in population databases (rs780193210, ExAC 0.009%). This variant has not been reported in the literature in individuals affected with LAMA2-related conditions. Algorithms developed to predict the effect of missense changes on protein structure and function are either unavailable or do not agree on the potential impact of this missense change (SIFT: "Tolerated"; PolyPhen-2: "Possibly Damaging"; Align-GVGD: "Class C0"). In summary, the available evidence is currently insufficient to determine the role of this variant in disease. Therefore, it has been classified as a Variant of Uncertain Significance.